The following is an entry in ClinVar:

NM_000152.5(GAA):c.692+5G>T

Gene: GAA (alpha glucosidase; plus strand). Cytogenetic location: 17q25.3.
Variant type: single nucleotide variant.
Coding change: c.692+5G>T on transcript NM_000152.5 (MANE Select); 5 bases into the intron after coding-DNA position 692, G replaced by T.
Molecular consequence: intron variant.
Genome position (GRCh38, 1-based): chr17:80,105,899, G>T. VCF-style: chr17-80105899-G-T. GRCh37 (hg19) VCF-style: chr17-78079698-G-T.
Other names: c.692+5G>T (NM_001079803.3, NM_001079804.3, LRG_673t1 and 1 more transcripts).
Identifiers: ClinVar variation 526532 (VCV000526532.22), dbSNP rs763027848, ClinGen allele CA8814966.
Genomic context (GRCh38, chr17:80,105,899, plus strand): 5'-TTCTCCGAGGAGCCCTTCGGGGTGATCGTGCGCCGGCAGCTGGACGGCCGCGTGCTGTGA[G>T]TTCTGGGCTCTGTGCCAGCATGATGGGGAGGGCGACGCGCATTTCTCACACGGCAGGGAG-3'

ClinVar aggregate classification (germline): Likely pathogenic. Review status: reviewed by expert panel (3 of 4 stars). 6 submissions from 6 submitters: Likely pathogenic (1). 5 of the submissions do not count toward it. Last evaluated 2025-04-15.

Conditions:
Glycogen storage disease, type II (IOPD). Also called: POMPE DISEASE, INFANTILE-ONSET; GLYCOGEN STORAGE DISEASE II, INFANTILE-ONSET; ACID ALPHA-GLUCOSIDASE DEFICIENCY, INFANTILE-ONSET; GAA DEFICIENCY, INFANTILE-ONSET; ACID MALTASE DEFICIENCY, INFANTILE-ONSET; Glucosidase acid-1,4-alpha deficiency. Identifiers: Orphanet 365, MedGen C0017921, MONDO:0009290, OMIM 232300.

Allele frequency attached by ClinVar (database versions not stated): gnomAD exomes below 0.00001 and 0.00001; TOPMed below 0.00001; ExAC 0.00001; gnomAD 0.00001.
gnomAD v4.1: 14 of 1,589,960 alleles (0.00088%); highest among the groups gnomAD compares: Non-Finnish European, 0.0012%; no homozygotes.

Submissions (6):

ClinGen Lysosomal Storage Disorder Variant Curation Expert Panel
Classification: Likely pathogenic for Glycogen storage disease, type II. Last evaluated: 2025-04-15. Review status: reviewed by expert panel. Criteria: clingen_lsd_acmg_specifications_v2-1. Collection method: curation. Allele origin: germline. Inheritance: Autosomal recessive inheritance.
Comment: The NM_000152.5:c.692+5G>T variant in GAA is located in intron 3 and is predicted to disrupt the 5' donor splice site of the intron. At least 6 individuals have been reported with this variant and late-onset Pompe disease, including individuals with documented GAA enzyme deficiency and symptoms consistent with LOPD and receiving enzyme replacement therapy (PMIDs: 24384324, 26873529,27408821,29181627, 30155607). At least three individuals with confirmed Pompe disease are compound heterozygous for this variant and a second pathogenic variant (phase unconfirmed) including c.1076-22T>G (PMID: 27408821 ), c.953T>C (PMIDs: 3015560 and 29181627), and c.482_483del (PMID: 26873529) (PM3_strong). One individual with LOPD was reported to have this variant and c.1211A>G, classified as likely pathogenic by the ClinGen Lysosomal Diseases VCEP; however, points were not given for PP4 or PM3 to avoid circular logic as data from this publication were used to support the classification of c.1211A>G (PMID: 2438432). The highest population minor allele frequency in gnomAD v4.1.0 is 0.00001195 (14/1171164 alleles) in the European non-Finnish population which is lower than the ClinGen LSD VCEP’s threshold for PM2_Supporting (<0.001), meeting this criterion (PM2_Supporting). The computational splicing predictor SpliceAI gives a score of 0.54 for donor loss, predicting that the variant disrupts the donor splice site of intron 3 of GAA (PP3). There is a ClinVar entry for this variant (Variation ID: 526532 , 2-star review status) with 4 submitters classifying the variant as pathogenic (n=2) or likely pathogenic (n=2). In summary, this variant meets the criteria to be classified as likely pathogenic for Pompe disease based on the ACMG/AMP criteria applied, as specified by the ClinGen Lysosomal Diseases Variant Curation Expert panel (Specifications Version 2.0.0): PP4_moderate, PM3_strong, PM2_supporting, PP3. (Classification approved by the ClinGen Lysosomal Diseases Variant Curation Expert Panel on April 15, 2025)

Genomenon, Inc
Classification: Likely pathogenic for Glycogen storage disease, type II. Last evaluated: 2026-07-01. Review status: criteria provided, single submitter. Criteria: Genomenon Sequence Variant Interpretation Standards - Updated. Collection method: curation. Allele origin: germline. Affected: yes. Not counted in ClinVar's aggregate classification.
Comment: GAA c.692+5G>T is an intronic variant located in the donor splice region of intron 3. This variant has been observed in at least one proband with a GAA-related disorder in the compound heterozygous and/or homozygous state (PMID:27408821;29181627;26873529;24384324). It is absent or not present at a significant frequency in gnomAD. In silico models predict that this variant is possibly or probably damaging. In conclusion, we classify GAA c.692+5G>T as a likely pathogenic variant.

Labcorp Genetics (formerly Invitae), Labcorp
Classification: Pathogenic for Glycogen storage disease, type II. Last evaluated: 2025-11-13. Review status: criteria provided, single submitter. Criteria: Invitae Variant Classification Sherloc (09022015). Collection method: clinical testing. Allele origin: germline. Not counted in ClinVar's aggregate classification.
Comment: This sequence change falls in intron 3 of the GAA gene. It does not directly change the encoded amino acid sequence of the GAA protein. It affects a nucleotide within the consensus splice site. This variant is present in population databases (rs763027848, gnomAD 0.0009%). This variant has been observed in individual(s) with Pompe disease (PMID: 24384324, 26873529, 29181627). In at least one individual the data is consistent with being in trans (on the opposite chromosome) from a pathogenic variant. ClinVar contains an entry for this variant (Variation ID: 526532). Variants that disrupt the consensus splice site are a relatively common cause of aberrant splicing (PMID: 17576681, 9536098). Algorithms developed to predict the effect of sequence changes on RNA splicing suggest that this variant may disrupt the consensus splice site. For these reasons, this variant has been classified as Pathogenic.

Natera, Inc.
Classification: Likely pathogenic for Glycogen storage disease type II. Last evaluated: 2025-02-06. Review status: criteria provided, single submitter. Criteria: Natera Variant Classification Schema (03/2026). Collection method: clinical testing. Allele origin: germline. Not counted in ClinVar's aggregate classification.
Comment: The c.692+5G>T variant in GAA is an intronic variant located outside the canonical splice sites. This variant is rare in the general population with a frequency below the threshold expected for the associated phenotype(s). This variant has been observed in one or more individuals affected with the associated recessive disease, as either homozygous or compound heterozygous with a second variant (PMID: 37087815, 24384324, 26873529, 30155607). Computational prediction algorithms indicate this variant is likely to affect gene or protein function. Given the available evidence, this variant is classified as Likely Pathogenic.

Revvity Omics, Revvity
Classification: Likely pathogenic. Last evaluated: 2023-01-23. Review status: criteria provided, single submitter. Criteria: ACMG Guidelines, 2015. Collection method: clinical testing. Allele origin: germline. Not counted in ClinVar's aggregate classification.

Broad Center for Mendelian Genomics, Broad Institute of MIT and Harvard
Classification: Likely pathogenic for Glycogen storage disease, type II. Last evaluated: 2020-01-22. Review status: criteria provided, single submitter. Criteria: ACMG Guidelines, 2015. Collection method: curation. Allele origin: germline. Inheritance: Autosomal recessive inheritance. Not counted in ClinVar's aggregate classification.
Comment: The heterozygous c.692+5G>T variant in GAA has been reported in the compound heterozygous state in 2 individuals of northwestern European descent with Glycogen Storage Disease II (PMID: 24384324, 26873529). This variant has been identified in 0.001% (1/111074) of European (non-Finnish) chromosomes by the Genome Aggregation Database (gnomAD; dbSNP rs763027848). Although this variant has been seen in the general population, its frequency is low enough to be consistent with a recessive carrier frequency. This variant has also been reported as a VUS by Invitae in ClinVar (Variation ID: 526532). In vitro RT-PCR with patient muscle cell RNA provides some evidence that the c.692+5G>T variant may impact mRNA expression levels (PMID: 24384324). However, these types of assays may not accurately represent biological function. Computational prediction tools and conservation analyses suggest that this variant may impact the protein, though this information is not predictive enough to determine pathogenicity. The presence of this variant in combination with a reported pathogenic variant and in an individual with Glycogen Storage Disease II increases the likelihood that the c.692+5G>T variant is pathogenic (PMID: 24384324). The phenotype of 2 individuals with the variant in the heterozygous state is highly specific for Glycogen Storage Disease II based on reduced GAA activity compared to controls in relevant tissue (PMID: 24384324, 26873529). In summary, although additional studies are required to fully establish its clinical significance, this variant is likely pathogenic. ACMG/AMP Criteria applied: PM3, PM2, PP3, PS3_Supporting, PP4 (Richards 2015).

Literature cited by the submitters: PubMed 27408821 (cited by Genomenon, Inc); PubMed 29181627 (cited by Genomenon, Inc and Labcorp Genetics (formerly Invitae), Labcorp); PubMed 26873529 (cited by 4 submitters); PubMed 24384324 (cited by 4 submitters); PubMed 17576681 (cited by Labcorp Genetics (formerly Invitae), Labcorp); PubMed 9536098 (cited by Labcorp Genetics (formerly Invitae), Labcorp); PubMed 37087815 (cited by Natera, Inc.); PubMed 30155607 (cited by Natera, Inc.); PubMed 18425781 (cited by Broad Center for Mendelian Genomics, Broad Institute of MIT and Harvard).